The following is an entry in ClinVar:

ClinVar aggregate classification (germline): Pathogenic (1 of 4 stars; one submission).

Conditions:
Duchenne muscular dystrophy (DMD). Also called: MUSCULAR DYSTROPHY, PSEUDOHYPERTROPHIC PROGRESSIVE, DUCHENNE TYPE; Duchenne Muscular Dystrophy (DMD). Identifiers: Orphanet 98896, MedGen C0013264, MONDO:0010679, OMIM 310200.

Submission:

Labcorp Genetics (formerly Invitae), Labcorp
Classification: Pathogenic for Duchenne muscular dystrophy. Last evaluated: 2023-08-03. Review status: criteria provided, single submitter. Criteria: Invitae Variant Classification Sherloc (09022015). Collection method: clinical testing. Allele origin: unknown.
Comment: For these reasons, this variant has been classified as Pathogenic. This variant disrupts a region of the DMD protein in which other variant(s) (deletion of exons 14-15) have been determined to be pathogenic (PMID: 17259292). This suggests that this is a clinically significant region of the protein, and that variants that disrupt it are likely to be disease-causing. This variant has not been reported in the literature in individuals affected with DMD-related conditions. This variant is a gross deletion of the genomic region encompassing exon(s) 13-15 of the DMD gene. This variant would be expected to be in-frame, preserving the integrity of the reading frame.

Literature cited by the submitters: PubMed 17259292.

NC_000023.10:g.(?_32591627)_(32614013_?)del

Gene: DMD (dystrophin; minus strand). Cytogenetic location: Xp21.1.
Variant type: Deletion.
Identifiers: ClinVar variation 3244259 (VCV003244259.1).